The following is an entry in ClinVar:

NM_004415.4(DSP):c.6038G>A (p.Arg2013Gln)

Gene: DSP (desmoplakin; plus strand). Cytogenetic location: 6p24.3.
Variant type: single nucleotide variant.
Coding change: c.6038G>A on transcript NM_004415.4 (MANE Select); coding-DNA position 6038, G replaced by A.
Protein change: p.Arg2013Gln; replaces arginine 2013 with glutamine.
Molecular consequence: missense variant.
Genome position (GRCh38, 1-based): chr6:7,583,300, G>A. VCF-style: chr6-7583300-G-A. GRCh37 (hg19) VCF-style: chr6-7583533-G-A.
Other names: c.6038G>A (LRG_423t1, NM_004415.3); c.4241G>A, p.Arg1414Gln (NM_001008844.3); c.4709G>A, p.Arg1570Gln (NM_001319034.2); short protein forms R2013Q, R1570Q, R1414Q.
Identifiers: ClinVar variation 357961 (VCV000357961.27), dbSNP rs557263443, ClinGen allele CA046661.
Genomic context (GRCh38, chr6:7,583,300, plus strand): 5'-AACTATTGAAGGGGAAGAAGTCAGTGGAAGAAGTTGCTTCTGAAATCCAGCCATTCCTTC[G>A]GGGTGCAGGATCTATCGCTGGAGCATCTGCTTCTCCTAAGGAAAAATACTCTTTGGTAGA-3'
Protein context (NP_004406.2, residues 2003-2023): EVASEIQPFL[Arg2013Gln]GAGSIAGASA

ClinVar aggregate classification (germline): Conflicting classifications of pathogenicity. Review status: criteria provided, conflicting classifications (1 of 4 stars). 10 submissions from 8 submitters: Uncertain significance (7); Likely benign (3). Last evaluated 2026-01-23.

Conditions:
Arrhythmogenic right ventricular dysplasia 8 (ARVD8). Also called: ARRHYTHMOGENIC RIGHT VENTRICULAR CARDIOMYOPATHY 8; ARRHYTHMOGENIC RIGHT VENTRICULAR DYSPLASIA, FAMILIAL, 8; Arrhythmogenic Right Ventricular Dysplasia/Cardiomyopathy 8. Identifiers: MedGen C1843896, MONDO:0011831, OMIM 607450.
Arrhythmogenic cardiomyopathy with wooly hair and keratoderma. Also called: Carvajal syndrome; PALMOPLANTAR KERATODERMA WITH LEFT VENTRICULAR CARDIOMYOPATHY AND WOOLLY HAIR; Arrhythmogenic cardiomyopathy with woolly hair and keratoderma; Dilated cardiomyopathy with woolly hair and keratoderma. Identifiers: Orphanet 65282, MedGen C1854063, MONDO:0011581, OMIM 605676.
Lethal acantholytic epidermolysis bullosa (EBLA). Identifiers: Orphanet 158687, MedGen C1864826, MONDO:0012323, OMIM 609638.
DSP-related disorder. Also called: DSP-related disorders; DSP-related condition.
Cardiovascular phenotype. Identifiers: MedGen CN230736.
Cardiomyopathy (CMYO). Also called: Cardiomyopathies. Identifiers: Orphanet 167848, MedGen C0878544, MONDO:0004994, HP:0001638. Inheritance: Various modes of inheritance.
Woolly hair-skin fragility syndrome (WHSF). Identifiers: Orphanet 293165, MedGen C1843292, MONDO:0957307, OMIM 620415.

Allele frequency attached by ClinVar (database versions not stated): gnomAD 0.00001; gnomAD exomes 0.00002; ExAC 0.00003; TOPMed 0.00004; 1000 Genomes Project 30x 0.00016; 1000 Genomes Project 0.00020.
gnomAD v4.1: 21 of 1,614,188 alleles (0.0013%); highest among the groups gnomAD compares: Admixed American, 0.015%; no homozygotes.

Submissions (10):

Labcorp Genetics (formerly Invitae), Labcorp
Classification: Likely benign for Arrhythmogenic cardiomyopathy with wooly hair and keratoderma; Arrhythmogenic right ventricular dysplasia 8. Last evaluated: 2026-01-23. Review status: criteria provided, single submitter. Criteria: Invitae Variant Classification Sherloc (09022015). Collection method: clinical testing. Allele origin: germline.

PreventionGenetics, part of Exact Sciences
Classification: Uncertain significance for DSP-related condition. Last evaluated: 2025-11-11. Review status: criteria provided, single submitter. Criteria: ACMG Guidelines, 2015. Collection method: clinical testing. Allele origin: germline.
Comment: The DSP c.6038G>A variant is predicted to result in the amino acid substitution p.Arg2013Gln. To our knowledge, this variant has not been reported in the literature. This variant is reported in 0.012% of alleles in individuals of Latino descent in gnomAD. At this time, the clinical significance of this variant is uncertain due to the absence of conclusive functional and genetic evidence.

GeneDx
Classification: Uncertain significance. Last evaluated: 2024-12-26. Review status: criteria provided, single submitter. Criteria: GeneDx Variant Classification Process June 2021. Collection method: clinical testing. Allele origin: germline. Affected: yes.
Comment: In silico analysis indicates that this missense variant does not alter protein structure/function; Has not been previously published as pathogenic or benign to our knowledge

Ambry Genetics
Classification: Likely benign for Cardiovascular phenotype. Last evaluated: 2024-09-04. Review status: criteria provided, single submitter. Criteria: Ambry Variant Classification Scheme 2023. Collection method: clinical testing. Allele origin: germline.

Color Diagnostics, LLC DBA Color Health
Classification: Uncertain significance for Cardiomyopathy. Last evaluated: 2024-03-06. Review status: criteria provided, single submitter. Criteria: ACMG Guidelines, 2015. Collection method: clinical testing. Allele origin: germline.
Comment: This missense variant replaces arginine with glutamine at codon 2013 of the DSP protein. Computational prediction suggests that this variant may not impact protein structure and function (internally defined REVEL score threshold <= 0.5, PMID: 27666373). To our knowledge, functional studies have not been reported for this variant. This variant has not been reported in individuals affected with cardiovascular disorders in the literature. This variant has been identified in 6/250800 chromosomes in the general population by the Genome Aggregation Database (gnomAD). The available evidence is insufficient to determine the role of this variant in disease conclusively. Therefore, this variant is classified as a Variant of Uncertain Significance.

Women's Health and Genetics/Laboratory Corporation of America, LabCorp
Classification: Uncertain significance. Last evaluated: 2023-08-20. Review status: criteria provided, single submitter. Criteria: LabCorp Variant Classification Summary - May 2015. Collection method: clinical testing. Allele origin: germline.

Illumina Laboratory Services, Illumina
Classification: Uncertain significance for Arrhythmogenic cardiomyopathy with wooly hair and keratoderma. Last evaluated: 2018-01-12. Review status: criteria provided, single submitter. Criteria: ICSL Variant Classification Criteria 13 December 2019. Collection method: clinical testing. Allele origin: germline.

Illumina Laboratory Services, Illumina
Classification: Uncertain significance for Lethal acantholytic epidermolysis bullosa. Last evaluated: 2018-01-12. Review status: criteria provided, single submitter. Criteria: ICSL Variant Classification Criteria 13 December 2019. Collection method: clinical testing. Allele origin: germline.

Illumina Laboratory Services, Illumina
Classification: Uncertain significance for Arrhythmogenic right ventricular dysplasia 8. Last evaluated: 2018-01-12. Review status: criteria provided, single submitter. Criteria: ICSL Variant Classification Criteria 13 December 2019. Collection method: clinical testing. Allele origin: germline.

Center for Advanced Laboratory Medicine, UC San Diego Health, University of California San Diego
Classification: Likely benign for Cardiomyopathy. Last evaluated: 2017-10-10. Review status: criteria provided, single submitter. Criteria: ACMG Guidelines, 2015. Collection method: clinical testing. Allele origin: germline. Affected: yes. Observed: 1 variant allele.